The following is an entry in ClinVar:

ClinVar aggregate classification (germline): Uncertain significance. Review status: criteria provided, multiple submitters, no conflicts (2 of 4 stars). 2 submissions from 2 submitters: Uncertain significance (2). Last evaluated 2024-06-06.

Conditions:
Familial hemophagocytic lymphohistiocytosis 3 (FHL3). Also called: UNC13D-Related Familial Hemophagocytic Lymphohistiocytosis (UNC13D-fHLH). Identifiers: Orphanet 540, MedGen C1837174, MONDO:0012146, OMIM 608898.

Allele frequency attached by ClinVar (database versions not stated): gnomAD 0.00006; TOPMed 0.00008; ExAC 0.00011; gnomAD exomes 0.00012 and 0.00014.

Submissions (2):

Blueprint Genetics
Classification: Uncertain significance. Last evaluated: 2024-06-06. Review status: criteria provided, single submitter. Criteria: ACMG Guidelines, 2015. Collection method: clinical testing. Allele origin: germline.

Labcorp Genetics (formerly Invitae), Labcorp
Classification: Uncertain significance for Familial hemophagocytic lymphohistiocytosis 3. Last evaluated: 2022-10-24. Review status: criteria provided, single submitter. Criteria: Invitae Variant Classification Sherloc (09022015). Collection method: clinical testing. Allele origin: germline.
Comment: This sequence change replaces arginine, which is basic and polar, with tryptophan, which is neutral and slightly polar, at codon 154 of the UNC13D protein (p.Arg154Trp). This variant is present in population databases (rs749259935, gnomAD 0.03%). This missense change has been observed in individual(s) with hemophagocytic lymphohistiocytosis (PMID: 29665027, 32542393). ClinVar contains an entry for this variant (Variation ID: 1059002). Algorithms developed to predict the effect of missense changes on protein structure and function are either unavailable or do not agree on the potential impact of this missense change (SIFT: "Not Available"; PolyPhen-2: "Possibly Damaging"; Align-GVGD: "Not Available"). In summary, the available evidence is currently insufficient to determine the role of this variant in disease. Therefore, it has been classified as a Variant of Uncertain Significance.

Literature cited by the submitters: PubMed 29665027 (cited by Labcorp Genetics (formerly Invitae), Labcorp); PubMed 32542393 (cited by Labcorp Genetics (formerly Invitae), Labcorp).

NM_199242.3(UNC13D):c.460C>T (p.Arg154Trp)

Gene: UNC13D (unc-13 homolog D; minus strand). Cytogenetic location: 17q25.1.
Variant type: single nucleotide variant.
Coding change: c.460C>T on transcript NM_199242.3 (MANE Select); coding-DNA position 460, C replaced by T.
Protein change: p.Arg154Trp; replaces arginine 154 with tryptophan.
Molecular consequence: missense variant.
Genome position (GRCh38, 1-based): chr17:75,842,542, G>A on the plus strand (C>T on the coding strand, the complement: UNC13D is on the minus strand). VCF-style: chr17-75842542-G-A. GRCh37 (hg19) VCF-style: chr17-73838623-G-A.
Other names: short protein forms R154W.
Identifiers: ClinVar variation 1059002 (VCV001059002.5), dbSNP rs749259935, ClinGen allele CA8773474.